The following is an entry in ClinVar:

NM_001165963.4(SCN1A):c.1850G>A (p.Arg617Lys)

Gene: SCN1A (sodium voltage-gated channel alpha subunit 1; minus strand). Cytogenetic location: 2q24.3.
Variant type: single nucleotide variant.
Coding change: c.1850G>A on transcript NM_001165963.4 (MANE Select); coding-DNA position 1850, G replaced by A.
Protein change: p.Arg617Lys; replaces arginine 617 with lysine.
Molecular consequence: missense variant. On other transcripts: 5 prime UTR variant (1), non-coding transcript variant (1).
Genome position (GRCh38, 1-based): chr2:166,043,862, C>T on the plus strand (G>A on the coding strand, the complement: SCN1A is on the minus strand). VCF-style: chr2-166043862-C-T. GRCh37 (hg19) VCF-style: chr2-166900372-C-T.
Other names: c.1850G>A, p.Arg617Lys (NM_001165964.3, NM_001202435.3, NM_001353948.2 and 7 more transcripts); c.1847G>A, p.Arg616Lys (NM_001353954.2, NM_001353955.2, NM_001353960.2); c.-576G>A (NM_001353961.2); c.1850G>A (NM_001165963.1); short protein forms R617K, R616K.
Identifiers: ClinVar variation 2047965 (VCV002047965.5), dbSNP rs1697451634, ClinGen allele CA349067454.

ClinVar aggregate classification (germline): Uncertain significance. Review status: criteria provided, multiple submitters, no conflicts (2 of 4 stars). 2 submissions from 2 submitters: Uncertain significance (2). Last evaluated 2026-01-23.

Conditions:
Early-infantile DEE. Also called: Early infantile epileptic encephalopathy; Ohtahara syndrome; Early infantile epileptic encephalopathy with suppression bursts. Identifiers: Orphanet 1934, MedGen C0393706, MONDO:0800491.

Allele frequency attached by ClinVar (database versions not stated): TOPMed below 0.00001; gnomAD 0.00001; gnomAD exomes below 0.00001.
gnomAD v4.1: 2 of 1,614,064 alleles (0.00012%); highest among the groups gnomAD compares: Non-Finnish European, 0.00017%; no homozygotes.

Submissions (2):

GeneDx
Classification: Uncertain significance. Last evaluated: 2026-01-23. Review status: criteria provided, single submitter. Criteria: GeneDx Variant Classification Process June 2021. Collection method: clinical testing. Allele origin: germline.
Comment: Not observed at significant frequency in large population cohorts (gnomAD); In silico analysis suggests that this missense variant does not alter protein structure/function; This substitution is predicted to be within the cytoplasmic loop between the first and second homologous domains; Has not been previously published as pathogenic or benign to our knowledge

Labcorp Genetics (formerly Invitae), Labcorp
Classification: Uncertain significance for Early-infantile DEE. Last evaluated: 2025-07-14. Review status: criteria provided, single submitter. Criteria: Invitae Variant Classification Sherloc (09022015). Collection method: clinical testing. Allele origin: germline.
Comment: This sequence change replaces arginine, which is basic and polar, with lysine, which is basic and polar, at codon 617 of the SCN1A protein (p.Arg617Lys). This variant is not present in population databases (gnomAD no frequency). This variant has not been reported in the literature in individuals affected with SCN1A-related conditions. ClinVar contains an entry for this variant (Variation ID: 2047965). Invitae Evidence Modeling of protein sequence and biophysical properties (such as structural, functional, and spatial information, amino acid conservation, physicochemical variation, residue mobility, and thermodynamic stability) indicates that this missense variant is expected to disrupt SCN1A protein function with a positive predictive value of 95%. In summary, the available evidence is currently insufficient to determine the role of this variant in disease. Therefore, it has been classified as a Variant of Uncertain Significance.